The following is an entry in ClinVar:

ClinVar aggregate classification (germline): Likely pathogenic. Review status: criteria provided, multiple submitters, no conflicts (2 of 4 stars). 3 submissions from 3 submitters: Likely pathogenic (3). Last evaluated 2025-06-06.

Conditions:
Ornithine carbamoyltransferase deficiency (OTCD). Also called: ORNITHINE TRANSCARBAMYLASE DEFICIENCY, HYPERAMMONEMIA DUE TO; ORNITHINE TRANSCARBAMYLASE DEFICIENCY; Ornithine Carbamoyltransferase Deficiency Disease; OTC DEFICIENCY. Identifiers: Orphanet 664, MedGen C0268542, MONDO:0010703, OMIM 311250.

Submissions (3):

Clinical Genomics Laboratory, Washington University in St. Louis
Classification: Likely pathogenic for Ornithine carbamoyltransferase deficiency. Last evaluated: 2025-06-06. Review status: criteria provided, single submitter. Criteria: ACMG Guidelines, 2015. Collection method: clinical testing. Allele origin: germline. Affected: yes.
Comment: The OTC c.365A>G (p.Glu122Gly) variant has been reported in at least three individuals with OTC deficiency (Arranz JA et al., PMID: 17334707; Gao H et al., PMID: 12579493; Martín-Hernández E et al., PMID: 25433810; Zhang C et al., PMID: 39559585) and is absent from the general population (gnomAD v.4.1.0), indicating it is not a common variant. This variant has been reported in the ClinVar database as a germline likely pathogenic variant by two submitters (Variation ID: 429661). Computational predictors indicate that the variant is damaging, evidence that correlates with impact to OTC function. Additionally, another variant in the same codon, c.365A>T (p.Gly122Val) has been described in an individual with OTC deficiency (Nguyen HH et al., PMID: 32793520). Based on available information and the ACMG/AMP guidelines for variant interpretation (Richards S et al., PMID: 25741868), this variant is classified as likely pathogenic.

Labcorp Genetics (formerly Invitae), Labcorp
Classification: Likely pathogenic for Ornithine carbamoyltransferase deficiency. Last evaluated: 2021-11-28. Review status: criteria provided, single submitter. Criteria: Invitae Variant Classification Sherloc (09022015). Collection method: clinical testing. Allele origin: germline.
Comment: This sequence change replaces glutamic acid, which is acidic and polar, with glycine, which is neutral and non-polar, at codon 122 of the OTC protein (p.Glu122Gly). In summary, the currently available evidence indicates that the variant is pathogenic, but additional data are needed to prove that conclusively. Therefore, this variant has been classified as Likely Pathogenic. This variant disrupts the p.Glu122 amino acid residue in OTC. Other variant(s) that disrupt this residue have been observed in individuals with OTC-related conditions (PMID: 32793520), which suggests that this may be a clinically significant amino acid residue. Advanced modeling of protein sequence and biophysical properties (such as structural, functional, and spatial information, amino acid conservation, physicochemical variation, residue mobility, and thermodynamic stability) performed at Invitae indicates that this missense variant is expected to disrupt OTC protein function. ClinVar contains an entry for this variant (Variation ID: 429661). This missense change has been observed in individuals with ornithine transcarbamylase deficiency (PMID: 12579493, 17334707, 25433810). This variant is not present in population databases (gnomAD no frequency).

GeneDx
Classification: Likely pathogenic. Last evaluated: 2018-08-07. Review status: criteria provided, single submitter. Criteria: GeneDx Variant Classification (06012015). Collection method: clinical testing. Allele origin: germline. Affected: yes.
Comment: The E122G variant was not observed in approximately 6500 individuals of European and African American ancestry in the NHLBI Exome Sequencing Project, indicating it is not a common benign variant in these population. The E122G variant is a non-conservative amino acid substitution, which is likely to impact secondary protein structure as these residues differ in polarity, charge, size and/or other properties. This substitution occurs at a position that is conserved across species. In silico analysis predicts this variant is probably damaging to the protein structure/function. Missense variants in nearby residues (H117R/L, T125M, D126G, R129C/H/L/P, L131S) have been reported in the Human Gene Mutation Database in association with OTC deficiency and hyperammonemia (Stenson et al., 2014), supporting the functional importance of this region of the protein. Therefore, this variant is a strong candidate for a pathogenic variant, however the possibility that it is a benign variant cannot be excluded.

Literature cited by the submitters: PubMed 32793520 (cited by Labcorp Genetics (formerly Invitae), Labcorp); PubMed 12579493 (cited by Labcorp Genetics (formerly Invitae), Labcorp); PubMed 17334707 (cited by Labcorp Genetics (formerly Invitae), Labcorp); PubMed 25433810 (cited by Labcorp Genetics (formerly Invitae), Labcorp).

NM_000531.6(OTC):c.365A>G (p.Glu122Gly)

Gene: OTC (ornithine transcarbamylase; plus strand). Cytogenetic location: Xp11.4.
Variant type: single nucleotide variant.
Coding change: c.365A>G on transcript NM_000531.6 (MANE Select); coding-DNA position 365, A replaced by G.
Protein change: p.Glu122Gly; replaces glutamic acid 122 with glycine.
Molecular consequence: missense variant.
Genome position (GRCh38, 1-based): chrX:38,381,408, A>G. VCF-style: chrX-38381408-A-G. GRCh37 (hg19) VCF-style: chrX-38240661-A-G.
Other names: short protein forms E122G.
Identifiers: ClinVar variation 429661 (VCV000429661.8), dbSNP rs1131691517, ClinGen allele CA412718508.
Genomic context (GRCh38, chrX:38,381,408, plus strand): 5'-CACTTCTGGGAGGACATCCTTGTTTTCTTACCACACAAGATATTCATTTGGGTGTGAATG[A>G]AAGTCTCACGGACACGGCCCGGTTTGTAAATATTTTCTTCTCTCCAAAGCTGATTTCAGA-3'
Protein context (NP_000522.3, residues 112-132): TTQDIHLGVN[Glu122Gly]SLTDTARVLS